The following is an entry in ClinVar:

ClinVar aggregate classification (germline): Uncertain significance (1 of 4 stars; one submission).

Conditions:
Schimke immuno-osseous dysplasia (SIOD). Also called: Schimke Immunoosseous Dysplasia. Identifiers: Orphanet 1830, MedGen C0877024, MONDO:0009458, OMIM 242900.

Allele frequency attached by ClinVar (database versions not stated): gnomAD exomes below 0.00001; ExAC 0.00001.
gnomAD v4.1: 5 of 1,614,112 alleles (0.00031%); highest among the groups gnomAD compares: South Asian, 0.0044%; no homozygotes.

Submission:

Labcorp Genetics (formerly Invitae), Labcorp
Classification: Uncertain significance for Schimke immuno-osseous dysplasia. Last evaluated: 2021-08-28. Review status: criteria provided, single submitter. Criteria: Invitae Variant Classification Sherloc (09022015). Collection method: clinical testing. Allele origin: germline.
Comment: This sequence change replaces histidine with tyrosine at codon 749 of the SMARCAL1 protein (p.His749Tyr). The histidine residue is weakly conserved and there is a moderate physicochemical difference between histidine and tyrosine. This variant is present in population databases (rs764751292, ExAC 0.006%). This variant has not been reported in the literature in individuals affected with SMARCAL1-related conditions. Algorithms developed to predict the effect of missense changes on protein structure and function (SIFT, PolyPhen-2, Align-GVGD) all suggest that this variant is likely to be tolerated. Algorithms developed to predict the effect of sequence changes on RNA splicing suggest that this variant may create or strengthen a splice site. In summary, the available evidence is currently insufficient to determine the role of this variant in disease. Therefore, it has been classified as a Variant of Uncertain Significance.

NM_014140.4(SMARCAL1):c.2245C>T (p.His749Tyr)

Gene: SMARCAL1 (SNF2 related chromatin remodeling annealing helicase 1; plus strand). Cytogenetic location: 2q35.
Variant type: single nucleotide variant.
Coding change: c.2245C>T on transcript NM_014140.4 (MANE Select); coding-DNA position 2245, C replaced by T.
Protein change: p.His749Tyr; replaces histidine 749 with tyrosine.
Molecular consequence: missense variant.
Genome position (GRCh38, 1-based): chr2:216,475,269, C>T. VCF-style: chr2-216475269-C-T. GRCh37 (hg19) VCF-style: chr2-217339992-C-T.
Other names: c.2245C>T, p.His749Tyr (NM_001127207.2); short protein forms H749Y.
Identifiers: ClinVar variation 1037178 (VCV001037178.6), dbSNP rs764751292, ClinGen allele CA2098165.